The following continues an entry in ClinVar:

NM_000059.4(BRCA2):c.8904del (p.Val2969fs)

Gene: BRCA2. ClinVar aggregate classification (germline): Pathogenic. Pathogenic (1).

Submissions 11 to 22 of 31:

Baylor Genetics
Classification: Pathogenic for Familial cancer of breast. Last evaluated: 2024-01-31. Review status: criteria provided, single submitter. Criteria: ACMG Guidelines, 2015. Collection method: clinical testing. Allele origin: unknown. Not counted in ClinVar's aggregate classification.

Color Diagnostics, LLC DBA Color Health
Classification: Pathogenic for Hereditary cancer-predisposing syndrome. Last evaluated: 2023-12-14. Review status: criteria provided, single submitter. Criteria: ACMG Guidelines, 2015. Collection method: clinical testing. Allele origin: germline. Not counted in ClinVar's aggregate classification.
Comment: This variant deletes 1 nucleotide in exon 22 of the BRCA2 gene, creating a frameshift and premature translation stop signal. This variant is expected to result in an absent or non-functional protein product. This variant has been reported in at least 11 individuals affected with breast or ovarian cancer (PMID: 9667259, 10359546, 12750261, 15635067, 18445692, 18563556, 20807450, 22711857, 25186627, 28831036) and in a breast cancer case-control meta-analysis in 6/60463 cases and 1/53461 unaffected individuals (PMID: 33471991; Leiden Open Variation Database DB-ID BRCA2_001079). This variant also has been reported in several dozens of individuals and families suspected of being affected with hereditary breast and ovarian cancer (PMID: 12920083, 12960223, 15026808, 16234499, 20815029, 29446198) and in individuals affected with prostate cancer (PMID: 18445692, 21952622, 23035815, 23569316, 26724258). This variant has not been identified in the general population by the Genome Aggregation Database (gnomAD). Loss of BRCA2 function is a known mechanism of disease. Based on the available evidence, this variant is classified as Pathogenic.

GeneDx
Classification: Pathogenic. Last evaluated: 2022-06-01. Review status: criteria provided, single submitter. Criteria: GeneDx Variant Classification Process June 2021. Collection method: clinical testing. Allele origin: germline. Affected: yes. Not counted in ClinVar's aggregate classification.
Comment: Frameshift variant predicted to result in protein truncation or nonsense mediated decay in a gene for which loss-of-function is a known mechanism of disease; Truncating variants in this gene are considered pathogenic by a well-established clinical consortium and/or database; Observed in individuals with a personal or family history consistent with pathogenic variants in this gene (Frank 1998, Lalloo 2003, Kote-Jarai 2011, Willems-Jones 2012, Castro 2013, Cheng 2016); Not observed at significant frequency in large population cohorts (gnomAD); Also known as 9132delC; This variant is associated with the following publications: (PMID: 12672316, 15026808, 21952622, 9667259, 23199084, 23569316, 23035815, 15131399, 26724258, 27225637, 32338768, 33654310, 33087929, 30787465, 32885271, 32853339)

Fulgent Genetics
Classification: Pathogenic for Familial cancer of breast; Medulloblastoma; Familial prostate cancer; Wilms tumor 1; Fanconi anemia complementation group D1; Breast-ovarian cancer, familial, susceptibility to, 2; Glioma susceptibility 3; Pancreatic cancer, susceptibility to, 2. Last evaluated: 2022-05-13. Review status: criteria provided, single submitter. Criteria: ACMG Guidelines, 2015. Collection method: clinical testing. Allele origin: unknown. Not counted in ClinVar's aggregate classification.

ARUP Laboratories, Molecular Genetics and Genomics, ARUP Laboratories
Classification: Pathogenic. Last evaluated: 2022-03-10. Review status: criteria provided, single submitter. Criteria: ARUP Molecular Germline Variant Investigation Process 2021. Collection method: clinical testing. Allele origin: germline. Not counted in ClinVar's aggregate classification.
Comment: The BRCA2 c.8904delC; p.Val2969CysfsTer7 variant (rs80359730), also known as 9132delC for traditional nomenclature, is reported in the literature in individuals with breast, ovarian, or prostate cancer (Claes 2004, Frank 1998, Kote-Jarai 2011). This variant is classified as pathogenic by an expert review panel in ClinVar (Variation ID: 38192). It is absent from general population databases (Exome Variant Server, Genome Aggregation Database), indicating it is not a common polymorphism. This variant causes a frameshift by deleting a single nucleotide, so it is predicted to result in a truncated protein or mRNA subject to nonsense-mediated decay. Based on available information, this variant is considered to be pathogenic. References: Claes K et al. BRCA1 and BRCA2 germline mutation spectrum and frequencies in Belgian breast/ovarian cancer families. Br J Cancer. 2004 Mar 22;90(6):1244-51. Frank TS et al. Sequence analysis of BRCA1 and BRCA2: correlation of mutations with family history and ovarian cancer risk. J Clin Oncol. 1998 Jul;16(7):2417-25. Kote-Jarai Z et al. BRCA2 is a moderate penetrance gene contributing to young-onset prostate cancer: implications for genetic testing in prostate cancer patients. Br J Cancer. 2011 Oct 11;105(8):1230-4.

Genetics and Molecular Pathology, SA Pathology
Classification: Pathogenic for Familial cancer of breast. Last evaluated: 2021-11-26. Review status: criteria provided, single submitter. Criteria: ACMG Guidelines, 2015. Collection method: clinical testing. Allele origin: germline. Inheritance: Autosomal dominant inheritance. Affected: yes. Not counted in ClinVar's aggregate classification.
Comment: The BRCA2 c.8904delC variant is classified as Pathogenic (PVS1, PM2) This BRCA2 c.8904delC variant is located in exon 22/27 and is predicted to cause a shift in the reading frame at codon 2969. The variant is rare in population databases and has been reported as Pathogenic by other diagnostic laboratories (ClinVar Variation ID: 38192).

Sema4
Classification: Pathogenic for Hereditary cancer-predisposing syndrome. Last evaluated: 2021-10-19. Review status: criteria provided, single submitter. Criteria: Sema4 Curation Guidelines. Collection method: curation. Allele origin: germline. Not counted in ClinVar's aggregate classification.
Comment: The BRCA2 c.8904delC (p.V2969CfsX7) variant has been reported in heterozygosity in several individuals with breast cancer and prostate cancer (PMID: 9667259, 21952622, 32885271, 15026808, 32853339) besides various other publications in literature citing additional patients. This variant causes a frameshift at amino acid 2969 that results in premature termination 7 amino acids downstream. At this location, this is predicted to cause nonsense-mediated decay and result in an absent protein (loss of function). Loss of function variants in BRCA2 are known to be pathogenic (PMID: 29446198). This variant is not reported in the population database Genome Aggregation Database (PMID: 32461654). This variant has been reported in ClinVar (Variation ID: 38192). Based on the current evidence available, this variant is interpreted as pathogenic.

Quest Diagnostics Nichols Institute San Juan Capistrano
Classification: Pathogenic. Last evaluated: 2021-07-23. Review status: criteria provided, single submitter. Criteria: Quest Diagnostics criteria. Collection method: clinical testing. Allele origin: unknown. Not counted in ClinVar's aggregate classification.
Comment: This frameshift variant causes the premature termination of BRCA2 protein synthesis. In addition, it has been reported in individuals with breast/ovarian cancer or prostate cancer in the published literature (PMID: 15026808 (2004), 21952622 (2011), 23035815 (2012), 26724258 (2016)). Based on the available information, this variant is classified as pathogenic.

Women's Health and Genetics/Laboratory Corporation of America, LabCorp
Classification: Pathogenic for Hereditary breast ovarian cancer syndrome. Last evaluated: 2021-01-11. Review status: criteria provided, single submitter. Criteria: LabCorp Variant Classification Summary - May 2015. Collection method: clinical testing. Allele origin: germline. Not counted in ClinVar's aggregate classification.
Comment: Variant summary: BRCA2 c.8904delC (p.Val2969CysfsX7) results in a premature termination codon, predicted to cause a truncation of the encoded protein or absence of the protein due to nonsense mediated decay, which are commonly known mechanisms for disease. Truncations downstream of this position have been classified as pathogenic by our laboratory. The variant was absent in 249760 control chromosomes. c.8904delC has been reported in the literature in multiple individuals affected with Hereditary Breast And Ovarian Cancer Syndrome (example, Rebbeck_2018). These data indicate that the variant is very likely to be associated with disease. To our knowledge, no experimental evidence demonstrating an impact on protein function has been reported. Multiple clinical diagnostic laboratories, one consortium (CIMBA) and one expert panel (ENIGMA) have submitted clinical-significance assessments for this variant to ClinVar after 2014 without evidence for independent evaluation. All laboratories classified the variant as pathogenic/likely pathogenic. Based on the evidence outlined above, the variant was classified as pathogenic.

Mayo Clinic Laboratories, Mayo Clinic
Classification: Pathogenic. Last evaluated: 2020-02-21. Review status: criteria provided, single submitter. Criteria: ACMG Guidelines, 2015. Collection method: clinical testing. Allele origin: germline. Observed: 1 variant allele. Not counted in ClinVar's aggregate classification.
Comment: PVS1, PS4_Mod, PM2, PP5

Laboratory for Molecular Medicine, Mass General Brigham Personalized Medicine
Classification: Pathogenic for Hereditary breast ovarian cancer syndrome. Last evaluated: 2019-04-24. Review status: criteria provided, single submitter. Criteria: LMM Criteria. Collection method: clinical testing. Allele origin: germline. Inheritance: Autosomal dominant inheritance. Observed: 3 variant alleles. Not counted in ClinVar's aggregate classification.
Comment: The p.Val2969CysfsX7 variant in BRCA2 has been reported at least 40 individuals with BRCA2-associated cancers (Claes 2004, Kote-Jarai 2011, Frank 1998, Breast Cancer Information Core (BIC) database), and was absent from large population studies. This variant is predicted to cause a frameshift, which alters the proteinâ€™s amino acid sequence beginning at position 2969 and leads to a premature termination codon 7 amino acids downstream. This alteration is then predicted to lead to a truncated or absent protein. Heterozygous loss of function of the BRCA2 gene is an established disease mechanism in hereditary breast and ovarian cancer (HBOC). In addition, this variant was classified as Pathogenic on April 22, 2016 by the ClinGen-approved ENIGMA expert panel (ClinVar SCV000282464.1). In summary, the p.Val2969CysfsX7 variant meets criteria to be classified as pathogenic for HBOC in an autosomal dominant manner based upon the predicted impact to the protein. ACMG/AMP Criteria applied: PVS1, PS4, PM2.

Department of Pathology and Molecular Medicine, Queen's University
Classification: Pathogenic for Hereditary breast ovarian cancer syndrome. Last evaluated: 2017-04-20. Review status: criteria provided, single submitter. Criteria: ACMG Guidelines, 2015. Collection method: clinical testing. Allele origin: germline. Study: The Canadian Open Genetics Repository (COGR). Not counted in ClinVar's aggregate classification.